The following is an entry in ClinVar:

ClinVar aggregate classification (germline): Uncertain significance (1 of 4 stars; one submission).

Conditions:
WDPCP-related disorder. Also called: WDPCP-related condition.

gnomAD v4.1: 4 of 1,614,146 alleles (0.00025%); highest among the groups gnomAD compares: Non-Finnish European, 0.00034%; no homozygotes.

Submission:

PreventionGenetics, part of Exact Sciences
Classification: Uncertain significance for WDPCP-related condition. Last evaluated: 2025-06-26. Review status: criteria provided, single submitter. Criteria: ACMG Guidelines, 2015. Collection method: clinical testing. Allele origin: germline.
Comment: The WDPCP c.1109T>C variant is predicted to result in the amino acid substitution p.Val370Ala. To our knowledge, this variant has not been reported in the literature or in a large population database (gnomAD), indicating this variant is rare. At this time, the clinical significance of this variant is uncertain due to the absence of conclusive functional and genetic evidence.

NM_015910.7(WDPCP):c.1109T>C (p.Val370Ala)

Gene: WDPCP (WD repeat containing planar cell polarity effector; minus strand). Cytogenetic location: 2p15.
Variant type: single nucleotide variant.
Coding change: c.1109T>C on transcript NM_015910.7 (MANE Select); coding-DNA position 1109, T replaced by C.
Protein change: p.Val370Ala; replaces valine 370 with alanine.
Molecular consequence: missense variant. On other transcripts: non-coding transcript variant (3).
Genome position (GRCh38, 1-based): chr2:63,404,374, A>G on the plus strand (T>C on the coding strand, the complement: WDPCP is on the minus strand). VCF-style: chr2-63404374-A-G. GRCh37 (hg19) VCF-style: chr2-63631509-A-G.
Other names: c.632T>C, p.Val211Ala (NM_001042692.3); c.1037T>C, p.Val346Ala (NM_001354044.2); c.1109T>C, p.Val370Ala (NM_001354045.2); short protein forms V211A, V346A, V370A.
Identifiers: ClinVar variation 4998265 (VCV004998265.1).